The following is an entry in ClinVar:

ClinVar aggregate classification (germline): Likely benign. Review status: criteria provided, multiple submitters, no conflicts (2 of 4 stars). 2 submissions from 2 submitters: Likely benign (2). Last evaluated 2025-01-30.

Conditions:
PKD1L1-related disorder. Also called: PKD1L1-related condition.

gnomAD v4.1: 15 of 1,612,558 alleles (0.00093%); highest among the groups gnomAD compares: Admixed American, 0.005%; no homozygotes.

Submissions (2):

PreventionGenetics, part of Exact Sciences
Classification: Likely benign for PKD1L1-related condition. Last evaluated: 2025-01-30. Review status: criteria provided, single submitter. Criteria: ACMG Guidelines, 2015. Collection method: clinical testing. Allele origin: germline.
Comment: This variant is classified as likely benign based on ACMG/AMP sequence variant interpretation guidelines (Richards et al. 2015 PMID: 25741868, with internal and published modifications).

Labcorp Genetics (formerly Invitae), Labcorp
Classification: Likely benign. Last evaluated: 2024-09-19. Review status: criteria provided, single submitter. Criteria: Invitae Variant Classification Sherloc (09022015). Collection method: clinical testing. Allele origin: germline.

NM_138295.5(PKD1L1):c.4167G>A (p.Ala1389=)

Gene: PKD1L1 (polycystin 1 like 1, transient receptor potential channel interacting; minus strand). Cytogenetic location: 7p12.3.
Variant type: single nucleotide variant.
Coding change: c.4167G>A on transcript NM_138295.5 (MANE Select); coding-DNA position 4167, G replaced by A.
Protein change: p.Ala1389=; no amino-acid change (alanine 1389 retained).
Molecular consequence: synonymous variant.
Genome position (GRCh38, 1-based): chr7:47,858,868, C>T on the plus strand (G>A on the coding strand, the complement: PKD1L1 is on the minus strand). VCF-style: chr7-47858868-C-T. GRCh37 (hg19) VCF-style: chr7-47898466-C-T.
Other names: c.4167G>A (NM_138295.3).
Identifiers: ClinVar variation 3605495 (VCV003605495.3).